The following is an entry in ClinVar:

NM_006922.4(SCN3A):c.4523T>C (p.Ile1508Thr)

Gene: SCN3A (sodium voltage-gated channel alpha subunit 3; minus strand). Cytogenetic location: 2q24.3.
Variant type: single nucleotide variant.
Coding change: c.4523T>C on transcript NM_006922.4 (MANE Select); coding-DNA position 4523, T replaced by C.
Protein change: p.Ile1508Thr; replaces isoleucine 1508 with threonine.
Molecular consequence: missense variant.
Genome position (GRCh38, 1-based): chr2:165,094,387, A>G on the plus strand (T>C on the coding strand, the complement: SCN3A is on the minus strand). VCF-style: chr2-165094387-A-G. GRCh37 (hg19) VCF-style: chr2-165950897-A-G.
Other names: c.4376T>C, p.Ile1459Thr (NM_001081676.2, NM_001081677.2); short protein forms I1459T, I1508T.
Identifiers: ClinVar variation 1472083 (VCV001472083.6), dbSNP rs1421078796, ClinGen allele CA349020035.

ClinVar aggregate classification (germline): Uncertain significance (1 of 4 stars; one submission).

Allele frequency attached by ClinVar (database versions not stated): TOPMed below 0.00001; gnomAD 0.00001.
gnomAD v4.1: 1 of 1,610,654 alleles (0.000062%); highest among the groups gnomAD compares: Non-Finnish European, 0.000085%; no homozygotes.

Submission:

Labcorp Genetics (formerly Invitae), Labcorp
Classification: Uncertain significance. Last evaluated: 2021-09-24. Review status: criteria provided, single submitter. Criteria: Invitae Variant Classification Sherloc (09022015). Collection method: clinical testing. Allele origin: germline.
Comment: Algorithms developed to predict the effect of missense changes on protein structure and function are either unavailable or do not agree on the potential impact of this missense change (SIFT: "Tolerated"; PolyPhen-2: "Possibly Damaging"; Align-GVGD: "Class C0"). In summary, the available evidence is currently insufficient to determine the role of this variant in disease. Therefore, it has been classified as a Variant of Uncertain Significance. This variant has not been reported in the literature in individuals affected with SCN3A-related conditions. This variant is not present in population databases (ExAC no frequency). This sequence change replaces isoleucine with threonine at codon 1508 of the SCN3A protein (p.Ile1508Thr). The isoleucine residue is moderately conserved and there is a moderate physicochemical difference between isoleucine and threonine.